The following is an entry in ClinVar:

ClinVar aggregate classification (germline): Uncertain significance (1 of 4 stars; one submission).

Conditions:
Joubert syndrome. Also called: Familial aplasia of the vermis; CEREBELLOPARENCHYMAL DISORDER IV; JOUBERT-BOLTSHAUSER SYNDROME. Identifiers: Orphanet 475, MedGen C5979921, MONDO:0018772.

Allele frequency attached by ClinVar (database versions not stated): ExAC below 0.00001.
gnomAD v4.1: 1 of 1,579,966 alleles (0.000063%); highest among the groups gnomAD compares: Non-Finnish European, 0.000086%; no homozygotes.

Submission:

Labcorp Genetics (formerly Invitae), Labcorp
Classification: Uncertain significance for Joubert syndrome. Last evaluated: 2022-11-01. Review status: criteria provided, single submitter. Criteria: Invitae Variant Classification Sherloc (09022015). Collection method: clinical testing. Allele origin: germline.
Comment: In summary, the available evidence is currently insufficient to determine the role of this variant in disease. Therefore, it has been classified as a Variant of Uncertain Significance. Advanced modeling of protein sequence and biophysical properties (such as structural, functional, and spatial information, amino acid conservation, physicochemical variation, residue mobility, and thermodynamic stability) performed at Invitae indicates that this missense variant is expected to disrupt AHI1 protein function. ClinVar contains an entry for this variant (Variation ID: 1042918). This variant has not been reported in the literature in individuals affected with AHI1-related conditions. This variant is not present in population databases (gnomAD no frequency). This sequence change replaces threonine, which is neutral and polar, with isoleucine, which is neutral and non-polar, at codon 677 of the AHI1 protein (p.Thr677Ile).

NM_001134831.2(AHI1):c.2030C>T (p.Thr677Ile)

Gene: AHI1 (Abelson helper integration site 1; minus strand). Cytogenetic location: 6q23.3.
Variant type: single nucleotide variant.
Coding change: c.2030C>T on transcript NM_001134831.2 (MANE Select); coding-DNA position 2030, C replaced by T.
Protein change: p.Thr677Ile; replaces threonine 677 with isoleucine.
Molecular consequence: missense variant.
Genome position (GRCh38, 1-based): chr6:135,438,381, G>A on the plus strand (C>T on the coding strand, the complement: AHI1 is on the minus strand). VCF-style: chr6-135438381-G-A. GRCh37 (hg19) VCF-style: chr6-135759519-G-A.
Other names: c.2030C>T, p.Thr677Ile (NM_001134830.2, NM_001134832.2, NM_001350503.2 and 2 more transcripts); short protein forms T677I.
Identifiers: ClinVar variation 1042918 (VCV001042918.7), dbSNP rs758363344, ClinGen allele CA4012464.